The following is an entry in ClinVar:

NM_020366.4(RPGRIP1):c.282_283dup (p.Ala95fs)

Gene: RPGRIP1 (RPGR interacting protein 1; plus strand). Cytogenetic location: 14q11.2.
Variant type: Duplication.
Coding change: c.282_283dup on transcript NM_020366.4 (MANE Select); coding-DNA positions 282 to 283, 2 bases duplicated (GG; older notation c.282_283dupGG).
Protein change: p.Ala95fs; shifts the reading frame from alanine 95.
Molecular consequence: frameshift variant.
Genome position (GRCh38, 1-based): chr14:21,301,029-21,301,030, GG duplicated. VCF-style (leftmost placement, unchanged base first): chr14-21301028-C-CGG. GRCh37 (hg19) VCF-style: chr14-21769187-C-CGG.
Other names: short protein forms A95fs.
Identifiers: ClinVar variation 1459285 (VCV001459285.6), dbSNP rs1881002905, ClinGen allele CA960920946.

ClinVar aggregate classification (germline): Pathogenic (1 of 4 stars; one submission).

Conditions:
Cone-rod dystrophy 13 (CORD13). Identifiers: Orphanet 1872, MedGen C2750720, MONDO:0011987, OMIM 608194.
Leber congenital amaurosis 6 (LCA6). Identifiers: Orphanet 65, MedGen C1854260, MONDO:0013446, OMIM 613826.

Allele frequency attached by ClinVar (database versions not stated): gnomAD exomes below 0.00001; gnomAD 0.00001.

Submission:

Labcorp Genetics (formerly Invitae), Labcorp
Classification: Pathogenic for Leber congenital amaurosis 6; Cone-rod dystrophy 13. Last evaluated: 2021-12-13. Review status: criteria provided, single submitter. Criteria: Invitae Variant Classification Sherloc (09022015). Collection method: clinical testing. Allele origin: germline.
Comment: This sequence change creates a premature translational stop signal (p.Ala95Glyfs*76) in the RPGRIP1 gene. It is expected to result in an absent or disrupted protein product. Loss-of-function variants in RPGRIP1 are known to be pathogenic (PMID: 11528500, 23105016). This variant is not present in population databases (gnomAD no frequency). For these reasons, this variant has been classified as Pathogenic. This variant has not been reported in the literature in individuals affected with RPGRIP1-related conditions.

Literature cited by the submitters: PubMed 11528500; PubMed 23105016.